The following is an entry in ClinVar:

ClinVar aggregate classification (germline): Pathogenic. Review status: no assertion criteria provided (0 of 4 stars). 2 submissions from 2 submitters: Pathogenic (2). Last evaluated 2012-04-12.

Conditions:
Bietti crystalline corneoretinal dystrophy (BCD). Also called: BIETTI TAPETORETINAL DEGENERATION WITH MARGINAL CORNEAL DYSTROPHY; Bietti Crystalline Dystrophy. Identifiers: Orphanet 41751, MedGen C1859486, MONDO:0008865, OMIM 210370.

Submissions (2):

GeneReviews
Classification: Pathogenic for Bietti Crystalline Dystrophy. Last evaluated: 2012-04-12. Review status: no assertion criteria provided. Collection method: curation. Allele origin: unknown.
ClinVar note: Converted during submission from pathologic to Pathogenic.

OMIM
Classification: Pathogenic for BIETTI CRYSTALLINE CORNEORETINAL DYSTROPHY. Last evaluated: 2004-05-01. Review status: no assertion criteria provided. Collection method: literature only. Allele origin: germline.

Literature cited by the submitters: PubMed 15042513 (cited by OMIM).

NM_207352.4(CYP4V2):c.181G>A (p.Gly61Ser)

Gene: CYP4V2 (cytochrome P450 family 4 subfamily V member 2; plus strand). Cytogenetic location: 4q35.1.
Variant type: single nucleotide variant.
Coding change: c.181G>A on transcript NM_207352.4 (MANE Select); coding-DNA position 181, G replaced by A.
Protein change: p.Gly61Ser; replaces glycine 61 with serine.
Molecular consequence: missense variant.
Genome position (GRCh38, 1-based): chr4:186,192,004, G>A. VCF-style: chr4-186192004-G-A. GRCh37 (hg19) VCF-style: chr4-187113158-G-A.
Other names: c.485G>A; short protein forms G61S.
Identifiers: ClinVar variation 2190 (VCV000002190.4), dbSNP rs119103285, ClinGen allele CA339957.